The following is an entry in ClinVar:

ClinVar aggregate classification (germline): Uncertain significance (1 of 4 stars; one submission).

Conditions:
Familial cold autoinflammatory syndrome 3 (FCAS3). Also called: FAMILIAL ATYPICAL COLD URTICARIA; ANTIBODY DEFICIENCY AND IMMUNE DYSREGULATION, PLCG2-ASSOCIATED. Identifiers: Orphanet 300359, MedGen C3280914, MONDO:0013766, OMIM 614468.

Submission:

Labcorp Genetics (formerly Invitae), Labcorp
Classification: Uncertain significance for Familial cold autoinflammatory syndrome 3. Last evaluated: 2023-03-04. Review status: criteria provided, single submitter. Criteria: Invitae Variant Classification Sherloc (09022015). Collection method: clinical testing. Allele origin: germline.
Comment: In summary, the available evidence is currently insufficient to determine the role of this variant in disease. Therefore, it has been classified as a Variant of Uncertain Significance. An algorithm developed to predict the effect of missense changes on protein structure and function (PolyPhen-2) suggests that this variant is likely to be tolerated. This variant has not been reported in the literature in individuals affected with PLCG2-related conditions. This variant is not present in population databases (gnomAD no frequency). This sequence change replaces glutamic acid, which is acidic and polar, with alanine, which is neutral and non-polar, at codon 549 of the PLCG2 protein (p.Glu549Ala).

NM_002661.5(PLCG2):c.1646A>C (p.Glu549Ala)

Gene: PLCG2 (phospholipase C gamma 2; plus strand). Cytogenetic location: 16q23.3.
Variant type: single nucleotide variant.
Coding change: c.1646A>C on transcript NM_002661.5 (MANE Select); coding-DNA position 1646, A replaced by C.
Protein change: p.Glu549Ala; replaces glutamic acid 549 with alanine.
Molecular consequence: missense variant.
Genome position (GRCh38, 1-based): chr16:81,908,504, A>C. VCF-style: chr16-81908504-A-C. GRCh37 (hg19) VCF-style: chr16-81942109-A-C.
Other names: c.1646A>C, p.Glu549Ala (NM_001425749.1, NM_001425750.1, NM_001425751.1); short protein forms E549A.
Identifiers: ClinVar variation 2826154 (VCV002826154.3), dbSNP rs2507668602, ClinGen allele CA396900237.